The following is an entry in ClinVar:

NM_001128164.2(ATXN1):c.927T>G (p.Ala309=)

Gene: ATXN1 (ataxin 1; minus strand). Cytogenetic location: 6p22.3.
Variant type: single nucleotide variant.
Coding change: c.927T>G on transcript NM_001128164.2 (MANE Select); coding-DNA position 927, T replaced by G.
Protein change: p.Ala309=; no amino-acid change (alanine 309 retained).
Molecular consequence: synonymous variant. On other transcripts: 3 prime UTR variant (1).
Genome position (GRCh38, 1-based): chr6:16,327,384, A>C on the plus strand (T>G on the coding strand, the complement: ATXN1 is on the minus strand). VCF-style: chr6-16327384-A-C. GRCh37 (hg19) VCF-style: chr6-16327615-A-C.
Other names: c.927T>G, p.Ala309= (NM_000332.4); c.*340T>G (NM_001357857.2).
Identifiers: ClinVar variation 128506 (VCV000128506.32), dbSNP rs179990, ClinGen allele CA151996.
Genomic context (GRCh38, chr6:16,327,384, plus strand): 5'-CTCCATCTCACCGTTCAGGACCTCCTTGGCCTGGATGGCCTGCTGCAGCCGGCTGCTCTC[A>C]GCTTTCTTGGTGGCCTCCCGAGGGACAAAGTGGCTGCCGGAGTCGGCGTATTGCATGACG-3'
Protein context (NP_001121636.1, residues 299-319): HFVPREATKK[Ala309=]ESSRLQQAIQ

ClinVar aggregate classification (germline): Benign/Likely benign. Review status: criteria provided, multiple submitters, no conflicts (2 of 4 stars). 3 submissions from 3 submitters: Benign (1); Likely benign (1). 1 of the submissions does not count toward it. Last evaluated 2024-10-01.

Allele frequency attached by ClinVar (database versions not stated): 1000 Genomes Project 30x 0.00094; 1000 Genomes Project 0.00120.
gnomAD v4.1: 461 of 1,613,316 alleles (0.029%); highest among the groups gnomAD compares: South Asian, 0.29%; 3 homozygotes.

Submissions (3):

Blueprint Genetics
Classification: Likely benign. Last evaluated: 2024-10-01. Review status: criteria provided, single submitter. Criteria: ACMG Guidelines, 2015. Collection method: clinical testing. Allele origin: germline.

CeGaT Center for Human Genetics Tuebingen
Classification: Benign. Last evaluated: 2022-09-01. Review status: criteria provided, single submitter. Criteria: CeGaT Center For Human Genetics Tuebingen Variant Classification Criteria Version 2. Collection method: clinical testing. Allele origin: germline. Affected: yes. Observed: 1 variant allele.
Comment: ATXN1: BS1, BS2

Genetic Services Laboratory, University of Chicago
Classification: Likely benign for AllHighlyPenetrant. Review status: no assertion criteria provided. Collection method: clinical testing. Allele origin: germline. Inheritance: Autosomal dominant inheritance. Not counted in ClinVar's aggregate classification.
Comment: Likely benign based on allele frequency in 1000 Genomes Project or ESP global frequency and its presence in a patient with a rare or unrelated disease phenotype. NOT Sanger confirmed.